The following is an entry in ClinVar:

ClinVar aggregate classification (germline): Conflicting classifications of pathogenicity. Review status: criteria provided, conflicting classifications (1 of 4 stars). 11 submissions from 9 submitters: Uncertain significance (1); Benign (7); Likely benign (1). 2 of the submissions do not count toward it. Last evaluated 2026-02-01.

Conditions:
BCS1L-related disorder. Also called: BCS1L-related disorders; BCS1L-related condition. Identifiers: MedGen CN239240.
Leigh syndrome (NULS). Also called: Leigh's syndrome; Leigh Disease; Subacute necrotizing encephalopathy; Necrotizing encephalopathy infantile subacute of Leigh; Leigh's necrotizing encephalopathy; Leigh's disease. Identifiers: Orphanet 506, MedGen C2931891, MONDO:0009723, OMIM 256000.
GRACILE syndrome (FLNMS). Also called: FELLMAN SYNDROME; FINNISH LETHAL NEONATAL METABOLIC SYNDROME. Identifiers: Orphanet 53693, MedGen C1864002, MONDO:0011308, OMIM 603358.
Mitochondrial complex III deficiency nuclear type 1. Identifiers: Orphanet 254902, MedGen C3541471, MONDO:0007415, OMIM 124000.

Allele frequency attached by ClinVar (database versions not stated): ESP Exome Variant Server 0.00015; gnomAD exomes 0.00164 and 0.00756; gnomAD 0.00295 and 0.00297; ExAC 0.00553; 1000 Genomes Project 0.00619; TOPMed 0.00620; 1000 Genomes Project 30x 0.00703.

Submissions (11):

Labcorp Genetics (formerly Invitae), Labcorp
Classification: Benign. Last evaluated: 2026-02-01. Review status: criteria provided, single submitter. Criteria: Invitae Variant Classification Sherloc (09022015). Collection method: clinical testing. Allele origin: germline.

Mayo Clinic Laboratories, Mayo Clinic
Classification: Benign. Last evaluated: 2025-01-27. Review status: criteria provided, single submitter. Criteria: ACMG Guidelines, 2015. Collection method: clinical testing. Allele origin: germline. Observed: 10 variant alleles.

ARUP Laboratories, Molecular Genetics and Genomics, ARUP Laboratories
Classification: Benign. Last evaluated: 2023-11-28. Review status: criteria provided, single submitter. Criteria: ARUP Molecular Germline Variant Investigation Process 2024. Collection method: clinical testing. Allele origin: germline.

Genomic Research Center, Shahid Beheshti University of Medical Sciences
Classification: Likely benign for BCS1L-Related Disorders. Last evaluated: 2018-08-07. Review status: criteria provided, single submitter. Criteria: ACMG Guidelines, 2015. Collection method: clinical testing. Allele origin: inherited. Affected: yes. Observed: 1 variant allele.

Illumina Laboratory Services, Illumina
Classification: Uncertain significance for Mitochondrial complex III deficiency nuclear type 1. Last evaluated: 2017-04-27. Review status: criteria provided, single submitter. Criteria: ICSL Variant Classification Criteria 13 December 2019. Collection method: clinical testing. Allele origin: germline.

Illumina Laboratory Services, Illumina
Classification: Benign for Leigh syndrome. Last evaluated: 2017-04-27. Review status: criteria provided, single submitter. Criteria: ICSL Variant Classification Criteria 13 December 2019. Collection method: clinical testing. Allele origin: germline.
Comment: This variant was observed as part of a predisposition screen in an ostensibly healthy population. A literature search was performed for the gene, cDNA change, and amino acid change (where applicable). No publications were found based on this search. Allele frequency data from public databases was too high to be consistent with this variant causing disease. Therefore, this variant is classified as benign.

Illumina Laboratory Services, Illumina
Classification: Benign for GRACILE syndrome. Last evaluated: 2017-04-27. Review status: criteria provided, single submitter. Criteria: ICSL Variant Classification Criteria 13 December 2019. Collection method: clinical testing. Allele origin: germline.
Comment: the same text as in the submission from Illumina Laboratory Services, Illumina above.

Laboratory for Molecular Medicine, Mass General Brigham Personalized Medicine
Classification: Benign. Last evaluated: 2016-03-21. Review status: criteria provided, single submitter. Criteria: LMM Criteria. Collection method: clinical testing. Allele origin: germline. Observed: 2 variant alleles.
Comment: p.Val205Ile in exon 5 of BCS1L: This variant is not expected to have clinical si gnificance because it has been identified in 5.64% (644/11418) of Latino chromos omes by the Exome Aggregation Consortium (ExAC; dbSNP rs148278887).

GeneDx
Classification: Benign. Last evaluated: 2014-07-08. Review status: criteria provided, single submitter. Criteria: GeneDx Variant Classification (06012015). Collection method: clinical testing. Allele origin: germline. Affected: yes.
Comment: This variant is considered likely benign or benign based on one or more of the following criteria: it is a conservative change, it occurs at a poorly conserved position in the protein, it is predicted to be benign by multiple in silico algorithms, and/or has population frequency not consistent with disease.

Natera, Inc.
Classification: Benign for GRACILE syndrome. Last evaluated: 2020-09-16. Review status: no assertion criteria provided. Collection method: clinical testing. Allele origin: germline. Not counted in ClinVar's aggregate classification.

PreventionGenetics, part of Exact Sciences
Classification: Benign for BCS1L-related condition. Last evaluated: 2019-09-25. Review status: no assertion criteria provided. Collection method: clinical testing. Allele origin: germline. Not counted in ClinVar's aggregate classification.
Comment: This variant is classified as benign based on ACMG/AMP sequence variant interpretation guidelines (Richards et al. 2015 PMID: 25741868, with internal and published modifications).

NM_001079866.2(BCS1L):c.613G>A (p.Val205Ile)

Gene: BCS1L (BCS1 ubiquinol-cytochrome c reductase complex chaperone; plus strand). Cytogenetic location: 2q35.
Variant type: single nucleotide variant.
Coding change: c.613G>A on transcript NM_001079866.2 (MANE Select); coding-DNA position 613, G replaced by A.
Protein change: p.Val205Ile; replaces valine 205 with isoleucine.
Molecular consequence: missense variant. On other transcripts: non-coding transcript variant (1).
Genome position (GRCh38, 1-based): chr2:218,661,911, G>A. VCF-style: chr2-218661911-G-A. GRCh37 (hg19) VCF-style: chr2-219526634-G-A.
Other names: p.V205I:GTC>ATC; c.613G>A, p.Val205Ile (NM_001257342.2, NM_001257343.2, NM_001257344.2 and 10 more transcripts); c.253G>A, p.Val85Ile (NM_001318836.2, NM_001371451.1); c.112G>A, p.Val38Ile (NM_001371452.1, NM_001371453.1, NM_001371454.1 and 3 more transcripts); short protein forms V205I, V85I, V38I.
Identifiers: ClinVar variation 214159 (VCV000214159.36), dbSNP rs148278887, ClinGen allele CA325212.